The following is an entry in ClinVar:

ClinVar aggregate classification (germline): Uncertain significance (1 of 4 stars; one submission).

Conditions:
Marfan syndrome (MFS). Also called: MARFAN SYNDROME, TYPE I; Marfan syndrome type 1; Marfan's syndrome; Marfan syndrome, classic; FBN1-Related Marfan Syndrome. Identifiers: Orphanet 284963, Orphanet 558, MedGen C0024796, MONDO:0007947, OMIM 154700.
Familial thoracic aortic aneurysm and aortic dissection (TAAD). Also called: Thoracic aortic aneurysms and dissections. Identifiers: Orphanet 91387, MedGen C4707243, MONDO:0019625.

Allele frequency attached by ClinVar (database versions not stated): gnomAD exomes below 0.00001; ExAC 0.00001.
gnomAD v4.1: 2 of 1,613,600 alleles (0.00012%); highest among the groups gnomAD compares: Non-Finnish European, 0.00017%; no homozygotes.

Submission:

Labcorp Genetics (formerly Invitae), Labcorp
Classification: Uncertain significance for Marfan syndrome; Familial thoracic aortic aneurysm and aortic dissection. Last evaluated: 2023-04-20. Review status: criteria provided, single submitter. Criteria: Invitae Variant Classification Sherloc (09022015). Collection method: clinical testing. Allele origin: germline.
Comment: This variant is present in population databases (no rsID available, gnomAD 0.0009%). This sequence change replaces isoleucine, which is neutral and non-polar, with valine, which is neutral and non-polar, at codon 724 of the FBN1 protein (p.Ile724Val). In summary, the available evidence is currently insufficient to determine the role of this variant in disease. Therefore, it has been classified as a Variant of Uncertain Significance. This variant disrupts the p.Ile724 amino acid residue in FBN1. Other variant(s) that disrupt this residue have been determined to be pathogenic (Invitae). This suggests that this residue is clinically significant, and that variants that disrupt this residue are likely to be disease-causing. An algorithm developed to predict the effect of missense changes on protein structure and function (PolyPhen-2) suggests that this variant is likely to be disruptive. This missense change has been observed in individual(s) with Marfan syndrome (PMID: 31825148).

Literature cited by the submitters: PubMed 31825148.

NM_000138.5(FBN1):c.2170A>G (p.Ile724Val)

Gene: FBN1 (fibrillin 1; minus strand). Cytogenetic location: 15q21.1.
Variant type: single nucleotide variant.
Coding change: c.2170A>G on transcript NM_000138.5 (MANE Select); coding-DNA position 2170, A replaced by G.
Protein change: p.Ile724Val; replaces isoleucine 724 with valine.
Molecular consequence: missense variant.
Genome position (GRCh38, 1-based): chr15:48,497,389, T>C on the plus strand (A>G on the coding strand, the complement: FBN1 is on the minus strand). VCF-style: chr15-48497389-T-C. GRCh37 (hg19) VCF-style: chr15-48789586-T-C.
Other names: c.2170A>G, p.Ile724Val (NM_001406716.1); short protein forms I724V.
Identifiers: ClinVar variation 2926625 (VCV002926625.3), dbSNP rs113512280, ClinGen allele CA047152.